The following is an entry in ClinVar:

NM_001039958.2(MESP2):c.335T>A (p.Leu112Ter)

Genes: MESP2 (mesoderm posterior bHLH transcription factor 2; plus strand), LOC130057891 (ATAC-STARR-seq lymphoblastoid silent region 6806; plus strand). Cytogenetic location: 15q26.1.
Variant type: single nucleotide variant.
Coding change: c.335T>A on transcript NM_001039958.2 (MANE Select); coding-DNA position 335, T replaced by A.
Protein change: p.Leu112Ter; replaces leucine 112 with a stop codon.
Molecular consequence: nonsense.
Genome position (GRCh38, 1-based): chr15:89,776,692, T>A. VCF-style: chr15-89776692-T-A. GRCh37 (hg19) VCF-style: chr15-90319923-T-A.
Other names: short protein forms L112*.
Identifiers: ClinVar variation 2756428 (VCV002756428.3), dbSNP rs2505185781, ClinGen allele CA393769704.
Genomic context (GRCh38, chr15:89,776,692, plus strand): 5'-TGCGCATGCGCACGCTGGCCCGCGCCCTGCACGAGTTGCGCCGCTTTCTGCCTCCCTCCT[T>A]GGCGCCGGCCGGCCAGAGCCTGACCAAGATCGAGACGCTGCGCCTGGCCATCCGCTACAT-3'

ClinVar aggregate classification (germline): Pathogenic (1 of 4 stars; one submission).

Submission:

Labcorp Genetics (formerly Invitae), Labcorp
Classification: Pathogenic. Last evaluated: 2024-04-24. Review status: criteria provided, single submitter. Criteria: Invitae Variant Classification Sherloc (09022015). Collection method: clinical testing. Allele origin: germline.
Comment: This sequence change creates a premature translational stop signal (p.Leu112*) in the MESP2 gene. It is expected to result in an absent or disrupted protein product. Loss-of-function variants in MESP2 are known to be pathogenic (PMID: 9242490, 18485326). This variant is not present in population databases (gnomAD no frequency). This variant has not been reported in the literature in individuals affected with MESP2-related conditions. Algorithms developed to predict the effect of sequence changes on RNA splicing suggest that this variant may create or strengthen a splice site. For these reasons, this variant has been classified as Pathogenic.

Literature cited by the submitters: PubMed 9242490; PubMed 18485326.